The following is an entry in ClinVar:

ClinVar aggregate classification (germline): Uncertain significance. Review status: criteria provided, multiple submitters, no conflicts (2 of 4 stars). 2 submissions from 2 submitters: Uncertain significance (2). Last evaluated 2026-01-21.

Conditions:
Cardiovascular phenotype. Identifiers: MedGen CN230736.
RASopathy. Also called: Noonan spectrum disorder; rasopathies. Identifiers: Orphanet 536391, MedGen C5555857, MONDO:0021060.

Allele frequency attached by ClinVar (database versions not stated): gnomAD exomes 0.00001.
gnomAD v4.1: 5 of 1,613,974 alleles (0.00031%); highest among the groups gnomAD compares: Admixed American, 0.0017%; no homozygotes.

Submissions (2):

Labcorp Genetics (formerly Invitae), Labcorp
Classification: Uncertain significance for RASopathy. Last evaluated: 2026-01-21. Review status: criteria provided, single submitter. Criteria: Invitae Variant Classification Sherloc (09022015). Collection method: clinical testing. Allele origin: germline.
Comment: This sequence change replaces threonine, which is neutral and polar, with alanine, which is neutral and non-polar, at codon 12 of the PTPN11 protein (p.Thr12Ala). This variant is present in population databases (no rsID available, gnomAD 0.003%). This variant has not been reported in the literature in individuals affected with PTPN11-related conditions. ClinVar contains an entry for this variant (Variation ID: 1391673). Invitae Evidence Modeling of protein sequence and biophysical properties (such as structural, functional, and spatial information, amino acid conservation, physicochemical variation, residue mobility, and thermodynamic stability) has been performed for this missense variant. However, the output from this modeling did not meet the statistical confidence thresholds required to predict the impact of this variant on PTPN11 protein function. In summary, the available evidence is currently insufficient to determine the role of this variant in disease. Therefore, it has been classified as a Variant of Uncertain Significance.

Ambry Genetics
Classification: Uncertain significance for Cardiovascular phenotype. Last evaluated: 2025-12-16. Review status: criteria provided, single submitter. Criteria: Ambry Variant Classification Scheme 2023. Collection method: clinical testing. Allele origin: germline.
Comment: The p.T12A variant (also known as c.34A>G), located in coding exon 2 of the PTPN11 gene, results from an A to G substitution at nucleotide position 34. The threonine at codon 12 is replaced by alanine, an amino acid with similar properties. This amino acid position is highly conserved in available vertebrate species. In addition, the in silico prediction for this alteration is inconclusive. Based on the available evidence, the clinical significance of this variant remains unclear.

NM_002834.5(PTPN11):c.34A>G (p.Thr12Ala)

Gene: PTPN11 (protein tyrosine phosphatase non-receptor type 11; plus strand). Cytogenetic location: 12q24.13.
Variant type: single nucleotide variant.
Coding change: c.34A>G on transcript NM_002834.5 (MANE Select); coding-DNA position 34, A replaced by G.
Protein change: p.Thr12Ala; replaces threonine 12 with alanine.
Molecular consequence: missense variant.
Genome position (GRCh38, 1-based): chr12:112,446,295, A>G. VCF-style: chr12-112446295-A-G. GRCh37 (hg19) VCF-style: chr12-112884099-A-G.
Other names: c.34A>G, p.Thr12Ala (NM_001330437.2, NM_001374625.1, NM_080601.3); c.34A>G (NM_002834.3); short protein forms T12A.
Identifiers: ClinVar variation 1391673 (VCV001391673.9), dbSNP rs1386827892, ClinGen allele CA386776158.